The following is an entry in ClinVar:

ClinVar aggregate classification (germline): Conflicting classifications of pathogenicity. Review status: criteria provided, conflicting classifications (1 of 4 stars). 4 submissions from 4 submitters: Uncertain significance (1); Benign (2). 1 of the submissions does not count toward it. Last evaluated 2025-08-09.

Conditions:
DNAH10-related disorder. Also called: DNAH10-related condition.

Allele frequency attached by ClinVar (database versions not stated): ESP Exome Variant Server 0.00292; 1000 Genomes Project 0.00300; gnomAD 0.00306; 1000 Genomes Project 30x 0.00359; TOPMed 0.00394.
gnomAD v4.1: 1,007 of 1,613,982 alleles (0.062%); highest among the groups gnomAD compares: African/African-American, 1.1%; 2 homozygotes.

Submissions (4):

Ambry Genetics
Classification: Uncertain significance. Last evaluated: 2025-08-09. Review status: criteria provided, single submitter. Criteria: Ambry Variant Classification Scheme 2023. Collection method: clinical testing. Allele origin: germline.

Labcorp Genetics (formerly Invitae), Labcorp
Classification: Benign. Last evaluated: 2018-01-19. Review status: criteria provided, single submitter. Criteria: Invitae Variant Classification Sherloc (09022015). Collection method: clinical testing. Allele origin: germline.

Breakthrough Genomics
Classification: Benign. Review status: criteria provided, single submitter. Criteria: ACMG Guidelines, 2015. Collection method: not provided. Allele origin: germline. Inheritance: Autosomal recessive inheritance. Affected: yes.

PreventionGenetics, part of Exact Sciences
Classification: Benign for DNAH10-related condition. Last evaluated: 2024-08-31. Review status: no assertion criteria provided. Collection method: clinical testing. Allele origin: germline. Not counted in ClinVar's aggregate classification.
Comment: This variant is classified as benign based on ACMG/AMP sequence variant interpretation guidelines (Richards et al. 2015 PMID: 25741868, with internal and published modifications).

NM_001372106.1(DNAH10):c.9001G>C (p.Val3001Leu)

Gene: DNAH10 (dynein axonemal heavy chain 10; plus strand). Cytogenetic location: 12q24.31.
Variant type: single nucleotide variant.
Coding change: c.9001G>C on transcript NM_001372106.1 (MANE Select); coding-DNA position 9001, G replaced by C.
Protein change: p.Val3001Leu; replaces valine 3001 with leucine.
Molecular consequence: missense variant.
Genome position (GRCh38, 1-based): chr12:123,893,238, G>C. VCF-style: chr12-123893238-G-C. GRCh37 (hg19) VCF-style: chr12-124377785-G-C.
Other names: c.8647G>C, p.Val2883Leu (NM_207437.3); short protein forms V2883L, V3001L.
Identifiers: ClinVar variation 716438 (VCV000716438.6), dbSNP rs73221409, ClinGen allele CA6864936.